The following is an entry in ClinVar:

NM_138459.5(NUS1):c.614A>G (p.Gln205Arg)

Gene: NUS1 (NUS1 dehydrodolichyl diphosphate synthase subunit; plus strand). Cytogenetic location: 6q22.1.
Variant type: single nucleotide variant.
Coding change: c.614A>G on transcript NM_138459.5 (MANE Select); coding-DNA position 614, A replaced by G.
Protein change: p.Gln205Arg; replaces glutamine 205 with arginine.
Molecular consequence: missense variant.
Genome position (GRCh38, 1-based): chr6:117,694,103, A>G. VCF-style: chr6-117694103-A-G. GRCh37 (hg19) VCF-style: chr6-118015266-A-G.
Other names: short protein forms Q205R.
Identifiers: ClinVar variation 4771649 (VCV004771649.1).

ClinVar aggregate classification (germline): Uncertain significance (1 of 4 stars; one submission).

Conditions:
Congenital disorder of glycosylation, type Iaa. Also called: Congenital disorder of glycosylation, type 1aa. Identifiers: MedGen C4310727, MONDO:0014904, OMIM 617082.

Submission:

Labcorp Genetics (formerly Invitae), Labcorp
Classification: Uncertain significance for Congenital disorder of glycosylation, type Iaa. Last evaluated: 2025-02-03. Review status: criteria provided, single submitter. Criteria: Invitae Variant Classification Sherloc (09022015). Collection method: clinical testing. Allele origin: germline.
Comment: This sequence change replaces glutamine, which is neutral and polar, with arginine, which is basic and polar, at codon 205 of the NUS1 protein (p.Gln205Arg). This variant is not present in population databases (gnomAD no frequency). This variant has not been reported in the literature in individuals affected with NUS1-related conditions. An algorithm developed to predict the effect of missense changes on protein structure and function outputs the following: PolyPhen-2: "Benign". The arginine amino acid residue is found in multiple mammalian species, which suggests that this missense change does not adversely affect protein function. In summary, the available evidence is currently insufficient to determine the role of this variant in disease. Therefore, it has been classified as a Variant of Uncertain Significance.